The following is an entry in ClinVar:

ClinVar aggregate classification (germline): Pathogenic (1 of 4 stars; one submission).

Conditions:
DICER1-related tumor predisposition. Also called: DICER1-related pleuropulmonary blastoma cancer predisposition syndrome; DICER1 syndrome. Identifiers: Orphanet 284343, MedGen C3839822, MONDO:0100216.

Submission:

Foulkes Cancer Genetics LDI, Lady Davis Institute for Medical Research
Classification: Pathogenic for Pleuropulmonary blastoma. Last evaluated: 2019-07-01. Review status: criteria provided, single submitter. Criteria: ACMG Guidelines, 2015. Collection method: curation. Allele origin: germline. Affected: yes. Observed: 1 variant allele.
Comment: ACMG criteria met: PVS1, PM2, PP4

Literature cited by the submitters: PubMed 24675358.

NM_177438.3(DICER1):c.2863dup (p.Thr955fs)

Gene: DICER1 (dicer 1, ribonuclease III; minus strand). Cytogenetic location: 14q32.13.
Variant type: Duplication.
Coding change: c.2863dup on transcript NM_177438.3 (MANE Select); coding-DNA position 2863, one base duplicated (A; older notation c.2863dupA).
Protein change: p.Thr955fs; shifts the reading frame from threonine 955.
Molecular consequence: frameshift variant.
Genome position (GRCh38, 1-based): chr14:95,106,165, T duplicated on the plus strand (A on the coding strand, the reverse complement: DICER1 is on the minus strand). VCF-style (leftmost placement, unchanged base first): chr14-95106164-G-GT. GRCh37 (hg19) VCF-style: chr14-95572501-G-GT.
Other names: c.2863dup, p.Thr955fs (NM_001195573.1, NM_001271282.3, NM_001291628.2 and 1 more transcripts); short protein forms T955fs.
Identifiers: ClinVar variation 933066 (VCV000933066.3), dbSNP rs1891405883, ClinGen allele CA1139663649.